The following is an entry in ClinVar:

ClinVar aggregate classification (germline): Pathogenic/Likely pathogenic. Review status: criteria provided, multiple submitters, no conflicts (2 of 4 stars). 3 submissions from 3 submitters: Pathogenic (2); Likely pathogenic (1). Last evaluated 2025-09-10.

Conditions:
Lipase deficiency, combined. Also called: LIPOPROTEIN LIPASE DEFICIENCY WITH HEPATIC TRIGLYCERIDE LIPASE DEFICIENCY; LPL AND HL DEFICIENCY; LPL AND HTGL DEFICIENCY. Identifiers: Orphanet 535453, MedGen C1855498, MONDO:0009527, OMIM 246650.

Allele frequency attached by ClinVar (database versions not stated): gnomAD 0.00001; gnomAD exomes 0.00001 and 0.00002; ExAC 0.00003.
gnomAD v4.1: 32 of 1,612,788 alleles (0.002%); highest among the groups gnomAD compares: Non-Finnish European, 0.0027%; no homozygotes.

Submissions (3):

Genomic Medicine Center of Excellence, King Faisal Specialist Hospital and Research Centre
Classification: Pathogenic for Lipase deficiency, combined. Last evaluated: 2025-09-10. Review status: criteria provided, single submitter. Criteria: ACMG Guidelines, 2015. Collection method: clinical testing. Allele origin: germline.

Labcorp Genetics (formerly Invitae), Labcorp
Classification: Pathogenic. Last evaluated: 2025-08-27. Review status: criteria provided, single submitter. Criteria: Invitae Variant Classification Sherloc (09022015). Collection method: clinical testing. Allele origin: germline.
Comment: This sequence change creates a premature translational stop signal (p.Ser120*) in the LMF1 gene. It is expected to result in an absent or disrupted protein product. Loss-of-function variants in LMF1 are known to be pathogenic (PMID: 17994020, 19820022, 22239554). This variant is present in population databases (rs768161861, gnomAD 0.003%). This variant has not been reported in the literature in individuals affected with LMF1-related conditions. ClinVar contains an entry for this variant (Variation ID: 1074820). For these reasons, this variant has been classified as Pathogenic.

AiLife Diagnostics
Classification: Likely pathogenic. Last evaluated: 2022-01-18. Review status: criteria provided, single submitter. Criteria: ACMG Guidelines, 2015. Collection method: clinical testing. Allele origin: germline. Affected: yes. Observed: 1 variant allele.

Literature cited by the submitters: PubMed 17994020 (cited by Labcorp Genetics (formerly Invitae), Labcorp); PubMed 19820022 (cited by Labcorp Genetics (formerly Invitae), Labcorp); PubMed 22239554 (cited by Labcorp Genetics (formerly Invitae), Labcorp).

NM_022773.4(LMF1):c.359C>G (p.Ser120Ter)

Gene: LMF1 (lipase maturation factor 1; minus strand). Cytogenetic location: 16p13.3.
Variant type: single nucleotide variant.
Coding change: c.359C>G on transcript NM_022773.4 (MANE Select); coding-DNA position 359, C replaced by G.
Protein change: p.Ser120Ter; replaces serine 120 with a stop codon.
Molecular consequence: nonsense. On other transcripts: 5 prime UTR variant (3), non-coding transcript variant (1).
Genome position (GRCh38, 1-based): chr16:954,501, G>C on the plus strand (C>G on the coding strand, the complement: LMF1 is on the minus strand). VCF-style: chr16-954501-G-C. GRCh37 (hg19) VCF-style: chr16-1004501-G-C.
Other names: c.-445C>G (NM_001352017.2); c.-196C>G (NM_001352018.2); c.32C>G, p.Ser11Ter (NM_001352019.2); c.359C>G, p.Ser120Ter (NM_001352020.1); c.-347C>G (NM_001352021.2); short protein forms S11*, S120*.
Identifiers: ClinVar variation 1074820 (VCV001074820.6), dbSNP rs768161861, ClinGen allele CA7797672.
Genomic context (GRCh38, chr16:954,501, plus strand): 5'-ACGAAAGACGAGATGCCCAGTCCGAGAAGAGCCAGCAAGTCCAGGTTGGAGTTCATGTCT[G>C]ACCAGTCCATCAGCCAGAGGATGGTGGGCATGTAGCTGAAGACTTCCCAGCTCGTCCTGT-3'